The following is an entry in ClinVar:

ClinVar aggregate classification (germline): Uncertain significance. Review status: criteria provided, multiple submitters, no conflicts (2 of 4 stars). 2 submissions from 2 submitters: Uncertain significance (2). Last evaluated 2024-03-09.

Conditions:
Hereditary cancer-predisposing syndrome. Also called: Hereditary neoplastic syndrome; Tumor predisposition; Neoplastic Syndromes, Hereditary; Hereditary Cancer Syndrome. Identifiers: Orphanet 140162, MedGen C0027672, MeSH D009386, MONDO:0015356.
Hereditary nonpolyposis colorectal neoplasms. Identifiers: MedGen C0009405, MeSH D003123.

Submissions (2):

Ambry Genetics
Classification: Uncertain significance for Hereditary cancer-predisposing syndrome. Last evaluated: 2024-03-09. Review status: criteria provided, single submitter. Criteria: Ambry Variant Classification Scheme 2023. Collection method: clinical testing. Allele origin: germline.
Comment: The p.A1147P variant (also known as c.3439G>C) is located in coding exon 6 of the MSH6 gene. The alanine at codon 1147 is replaced by proline, an amino acid with highly similar properties. This change occurs in the first base pair of coding exon 6. This amino acid position is conserved. In addition, this alteration is predicted to be deleterious by in silico analysis. Based on the available evidence, the clinical significance of this alteration remains unclear.

Labcorp Genetics (formerly Invitae), Labcorp
Classification: Uncertain significance for Hereditary nonpolyposis colorectal neoplasms. Last evaluated: 2019-05-02. Review status: criteria provided, single submitter. Criteria: Invitae Variant Classification Sherloc (09022015). Collection method: clinical testing. Allele origin: germline.
Comment: In summary, the available evidence is currently insufficient to determine the role of this variant in disease. Therefore, it has been classified as a Variant of Uncertain Significance. Algorithms developed to predict the effect of missense changes on protein structure and function are either unavailable or do not agree on the potential impact of this missense change (SIFT: "Tolerated"; PolyPhen-2: "Possibly Damaging"; Align-GVGD: "Class C0"). This variant has not been reported in the literature in individuals with MSH6-related disease. This variant is not present in population databases (ExAC no frequency). This sequence change replaces alanine with proline at codon 1147 of the MSH6 protein (p.Ala1147Pro). The alanine residue is moderately conserved and there is a small physicochemical difference between alanine and proline.

NM_000179.3(MSH6):c.3439G>C (p.Ala1147Pro)

Gene: MSH6 (mutS homolog 6; plus strand). Cytogenetic location: 2p16.3.
Variant type: single nucleotide variant.
Coding change: c.3439G>C on transcript NM_000179.3 (MANE Select); coding-DNA position 3439, G replaced by C.
Protein change: p.Ala1147Pro; replaces alanine 1147 with proline.
Molecular consequence: missense variant.
Genome position (GRCh38, 1-based): chr2:47,804,910, G>C. VCF-style: chr2-47804910-G-C. GRCh37 (hg19) VCF-style: chr2-48032049-G-C.
Other names: c.3049G>C, p.Ala1017Pro (NM_001281492.2); c.2533G>C, p.Ala845Pro (NM_001281493.2, NM_001281494.2); short protein forms A1147P, A1017P, A845P.
Identifiers: ClinVar variation 572202 (VCV000572202.12), dbSNP rs770054790, ClinGen allele CA346759917.
Genomic context (GRCh38, chr2:47,804,910, plus strand): 5'-CAAAAGTTTATGAAACTGTTACTACCAGTCATAAAAGACCTTTTCCTCCCTCATTCACAG[G>C]CTGGCTTATTAGCTGTAATGGCCCAGATGGGTTGTTACGTCCCTGCTGAAGTGTGCAGGC-3'
Protein context (NP_000170.1, residues 1137-1157): MGGKSTLMRQ[Ala1147Pro]GLLAVMAQMG